The following is an entry in ClinVar:

ClinVar aggregate classification (germline): Uncertain significance (1 of 4 stars; one submission).

Conditions:
Multiple endocrine neoplasia, type 2 (MEN2). Identifiers: Orphanet 653, MedGen C4048306, MONDO:0019003. Disease mechanism: gain of function.

Submission:

All of Us Research Program, National Institutes of Health
Classification: Uncertain significance for Multiple endocrine neoplasia, type 2. Last evaluated: 2024-04-10. Review status: criteria provided, single submitter. Criteria: ACMG Guidelines, 2015. Collection method: clinical testing. Allele origin: germline. Inheritance: Autosomal dominant inheritance. Observed: 1 variant allele, 1 heterozygote.
Comment: This study involves interpretation of variants in research participants for the purpose of population health screening. Participant phenotype was not available at the time of variant classification. Additional details can be found in publication PMID: 35346344, PMCID: PMC8962531

NM_020975.6(RET):c.2748A>C (p.Lys916Asn)

Gene: RET (ret proto-oncogene; plus strand). Cytogenetic location: 10q11.21.
Variant type: single nucleotide variant.
Coding change: c.2748A>C on transcript NM_020975.6 (MANE Select); coding-DNA position 2748, A replaced by C.
Protein change: p.Lys916Asn; replaces lysine 916 with asparagine.
Molecular consequence: missense variant.
Genome position (GRCh38, 1-based): chr10:43,121,963, A>C. VCF-style: chr10-43121963-A-C. GRCh37 (hg19) VCF-style: chr10-43617411-A-C.
Other names: c.1986A>C, p.Lys662Asn (NM_001355216.2); c.2748A>C, p.Lys916Asn (NM_001406743.1, NM_001406744.1, NM_001406759.1 and 2 more transcripts); c.2619A>C, p.Lys873Asn (NM_001406761.1, NM_001406762.1, NM_001406764.1); c.2613A>C, p.Lys871Asn (NM_001406763.1, NM_001406765.1); c.2460A>C, p.Lys820Asn (NM_001406766.1, NM_001406767.1, NM_001406770.1); c.2484A>C, p.Lys828Asn (NM_001406768.1); c.2352A>C, p.Lys784Asn (NM_001406769.1, NM_001406772.1); c.2310A>C, p.Lys770Asn (NM_001406771.1, NM_001406773.1); and 10 more; short protein forms K433N, K481N, K521N, K572N, K574N, K577N, K586N, K617N.
Identifiers: ClinVar variation 3387605 (VCV003387605.1).